The following is an entry in ClinVar:

NM_000807.4(GABRA2):c.895A>C (p.Ser299Arg)

Gene: GABRA2 (gamma-aminobutyric acid type A receptor subunit alpha2; minus strand). Cytogenetic location: 4p12.
Variant type: single nucleotide variant.
Coding change: c.895A>C on transcript NM_000807.4 (MANE Select); coding-DNA position 895, A replaced by C.
Protein change: p.Ser299Arg; replaces serine 299 with arginine.
Molecular consequence: missense variant.
Genome position (GRCh38, 1-based): chr4:46,262,090, T>G on the plus strand (A>C on the coding strand, the complement: GABRA2 is on the minus strand). VCF-style: chr4-46262090-T-G. GRCh37 (hg19) VCF-style: chr4-46264107-T-G.
Other names: c.895A>C, p.Ser299Arg (NM_001377144.1, NM_001377145.1, NM_001377146.1 and 8 more transcripts); c.730A>C, p.Ser244Arg (NM_001377152.1, NM_001377153.1, NM_001286827.3 and 1 more transcripts); c.895A>C (NM_001114175.1); short protein forms S244R, S299R.
Identifiers: ClinVar variation 4526429 (VCV004526429.2).
Genomic context (GRCh38, chr4:46,262,090, plus strand): 5'-CAGCAATAAACCAGTCCATGGCAGTTGCATAAGCCACTTTGGGGAGAGAATTCCGAGCAC[T>G]GATGCTTAGAGTTGTCATTGTTAGGACAGTTGTTACTCCTGCAAAAGAAAAGATAGGAAT-3'
Protein context (NP_000798.2, residues 289-309): TVLTMTTLSI[Ser299Arg]ARNSLPKVAY

ClinVar aggregate classification (germline): Pathogenic/Likely pathogenic. Review status: criteria provided, multiple submitters, no conflicts (2 of 4 stars). 2 submissions from 2 submitters: Pathogenic (1); Likely pathogenic (1). Last evaluated 2026-08-17.

Conditions:
Inborn genetic diseases. Identifiers: MedGen C0950123, MeSH D030342.
Developmental and epileptic encephalopathy, 78. Also called: EPILEPTIC ENCEPHALOPATHY, EARLY INFANTILE, 78. Identifiers: MedGen C5231409, MONDO:0032812, OMIM 618557.

Submissions (2):

Ambry Genetics
Classification: Likely pathogenic for Inborn genetic diseases. Last evaluated: 2026-08-17. Review status: criteria provided, single submitter. Criteria: Ambry Variant Classification Scheme 2023. Collection method: clinical testing. Allele origin: germline.
Comment: The c.895A>C (p.S299R) alteration is located in exon 8 (coding exon 8) of the GABRA2 gene. This alteration results from an A to C substitution at nucleotide position 895, causing the serine (S) at amino acid position 299 to be replaced by an arginine (R). This variant was not reported in population-based cohorts in the Genome Aggregation Database (gnomAD). This amino acid position is highly conserved in available vertebrate species. This alteration is predicted to be deleterious by in silico analysis. Based on the available evidence, this alteration is classified as likely pathogenic.

Kasturba Medical College, Manipal, Kasturba Medical College, Manipal, Manipal Academy of Higher Education, Manipal, India
Classification: Pathogenic for Developmental and epileptic encephalopathy, 78. Last evaluated: 2025-10-24. Review status: criteria provided, single submitter. Criteria: ACMG Guidelines, 2015. Collection method: research. Allele origin: germline. Inheritance: Autosomal dominant inheritance. Affected: yes.
Comment: This variant is absent in population database gnomAD v4.1.0 and our in-house database of 3557 exomes in both heterozygous and/or homozygous state. In silico analysis tools (REVEL, AlphaMissense, CADD_phred) consistently predict the variant to be damaging to GABRA2 protein function. The clinical features observed in the proband are concordant with developmental and epileptic encephalopathy 78. Thus, the above-mentioned variant in heterozygous state is interpreted to be the likely cause of the condition observed in her.